The following is an entry in ClinVar:

NM_005120.3(MED12):c.3691+4C>T

Gene: MED12 (mediator complex subunit 12; plus strand). Cytogenetic location: Xq13.1.
Variant type: single nucleotide variant.
Coding change: c.3691+4C>T on transcript NM_005120.3 (MANE Select); 4 bases into the intron after coding-DNA position 3691, C replaced by T.
Molecular consequence: intron variant.
Genome position (GRCh38, 1-based): chrX:71,129,433, C>T. VCF-style: chrX-71129433-C-T. GRCh37 (hg19) VCF-style: chrX-70349283-C-T.
Identifiers: ClinVar variation 408884 (VCV000408884.13), dbSNP rs373381746, ClinGen allele CA10444528.
Genomic context (GRCh38, chrX:71,129,433, plus strand): 5'-AGAACCGCATCGTGGATGGAGCCGTGTTTGCTGTTCTCAAGGCTGTGTTTGTACTTGGTA[C>T]GGGGGTAGGAAGGGAGTGGTGCCAGAAGTGTGTATAGGGTGGAGTGCCAGCTAAACTACA-3'

ClinVar aggregate classification (germline): Conflicting classifications of pathogenicity. Review status: criteria provided, conflicting classifications (1 of 4 stars). 3 submissions from 3 submitters: Uncertain significance (1); Benign (1); Likely benign (1). Last evaluated 2024-11-27.

Conditions:
FG syndrome (FGS). Identifiers: MedGen C0220769, MONDO:0002010.

Allele frequency attached by ClinVar (database versions not stated): gnomAD exomes below 0.00001 and 0.00001; ExAC 0.00001; TOPMed 0.00003; gnomAD 0.00004; ESP Exome Variant Server 0.00010.

Submissions (3):

Blueprint Genetics
Classification: Likely benign. Last evaluated: 2024-11-27. Review status: criteria provided, single submitter. Criteria: ACMG Guidelines, 2015. Collection method: clinical testing. Allele origin: germline.

Labcorp Genetics (formerly Invitae), Labcorp
Classification: Uncertain significance for FG syndrome. Last evaluated: 2024-01-03. Review status: criteria provided, single submitter. Criteria: Invitae Variant Classification Sherloc (09022015). Collection method: clinical testing. Allele origin: germline.
Comment: This sequence change falls in intron 26 of the MED12 gene. It does not directly change the encoded amino acid sequence of the MED12 protein. It affects a nucleotide within the consensus splice site. This variant is present in population databases (rs373381746, gnomAD 0.01%), including at least one homozygous and/or hemizygous individual. This variant has not been reported in the literature in individuals affected with MED12-related conditions. ClinVar contains an entry for this variant (Variation ID: 408884). Variants that disrupt the consensus splice site are a relatively common cause of aberrant splicing (PMID: 17576681, 9536098). Algorithms developed to predict the effect of sequence changes on RNA splicing suggest that this variant is not likely to affect RNA splicing. In summary, the available evidence is currently insufficient to determine the role of this variant in disease. Therefore, it has been classified as a Variant of Uncertain Significance.

GeneDx
Classification: Benign. Last evaluated: 2017-03-06. Review status: criteria provided, single submitter. Criteria: GeneDx Variant Classification (06012015). Collection method: clinical testing. Allele origin: germline. Affected: yes.
Comment: This variant is considered likely benign or benign based on one or more of the following criteria: it is a conservative change, it occurs at a poorly conserved position in the protein, it is predicted to be benign by multiple in silico algorithms, and/or has population frequency not consistent with disease.

Literature cited by the submitters: PubMed 17576681 (cited by Labcorp Genetics (formerly Invitae), Labcorp); PubMed 9536098 (cited by Labcorp Genetics (formerly Invitae), Labcorp).